The following is an entry in ClinVar:

ClinVar aggregate classification (germline): Uncertain significance (1 of 4 stars; one submission).

Conditions:
Hereditary cancer-predisposing syndrome. Also called: Tumor predisposition; Hereditary neoplastic syndrome; Neoplastic Syndromes, Hereditary; Hereditary Cancer Syndrome. Identifiers: Orphanet 140162, MedGen C0027672, MeSH D009386, MONDO:0015356.

gnomAD v4.1: 1 of 1,614,028 alleles (0.000062%); highest among the groups gnomAD compares: African/African-American, 0.0013%; no homozygotes.

Submission:

Ambry Genetics
Classification: Uncertain significance for Hereditary cancer-predisposing syndrome. Last evaluated: 2025-06-14. Review status: criteria provided, single submitter. Criteria: Ambry Variant Classification Scheme 2023. Collection method: clinical testing. Allele origin: germline.
Comment: The p.I221M variant (also known as c.663A>G), located in coding exon 3 of the XRCC2 gene, results from an A to G substitution at nucleotide position 663. The isoleucine at codon 221 is replaced by methionine, an amino acid with highly similar properties. This amino acid position is conserved. In addition, this alteration is predicted to be tolerated by in silico analysis. Based on the available evidence, the clinical significance of this variant remains unclear.

NM_005431.2(XRCC2):c.663A>G (p.Ile221Met)

Gene: XRCC2 (X-ray repair cross complementing 2; minus strand). Cytogenetic location: 7q36.1.
Variant type: single nucleotide variant.
Coding change: c.663A>G on transcript NM_005431.2 (MANE Select); coding-DNA position 663, A replaced by G.
Protein change: p.Ile221Met; replaces isoleucine 221 with methionine.
Molecular consequence: missense variant.
Genome position (GRCh38, 1-based): chr7:152,648,822, T>C on the plus strand (A>G on the coding strand, the complement: XRCC2 is on the minus strand). VCF-style: chr7-152648822-T-C. GRCh37 (hg19) VCF-style: chr7-152345907-T-C.
Other names: short protein forms I221M.
Identifiers: ClinVar variation 3982931 (VCV003982931.1).
Genomic context (GRCh38, chr7:152,648,822, plus strand): 5'-GAAAAACATCCTGTGCTTCACCAGTTGCTGCCATGCCTTACAGAGATAAGGTCTGTAGTC[T>C]ATGTCCACATCACACAGTCGTCGAGAGGCATGAGAAGGTTCTTCTGATGAGCTCGAGGCT-3'
Protein context (NP_005422.1, residues 211-231): HASRRLCDVD[Ile221Met]DYRPYLCKAW